The following is an entry in ClinVar:

ClinVar aggregate classification (germline): Pathogenic (1 of 4 stars; one submission).

Conditions:
KBG syndrome (KBGS). Also called: ANKRD11-Related KBG Syndrome. Identifiers: Orphanet 2332, MedGen C0220687, MONDO:0007846, OMIM 148050.

Submission:

Labcorp Genetics (formerly Invitae), Labcorp
Classification: Pathogenic for KBG syndrome. Last evaluated: 2023-10-13. Review status: criteria provided, single submitter. Criteria: Invitae Variant Classification Sherloc (09022015). Collection method: clinical testing. Allele origin: germline.
Comment: This sequence change creates a premature translational stop signal (p.Asp1081Thrfs*237) in the ANKRD11 gene. It is expected to result in an absent or disrupted protein product. Loss-of-function variants in ANKRD11 are known to be pathogenic (PMID: 21782149, 25125236, 25413698, 25652421). This variant is not present in population databases (gnomAD no frequency). This variant has not been reported in the literature in individuals affected with ANKRD11-related conditions. ClinVar contains an entry for this variant (Variation ID: 2122855). For these reasons, this variant has been classified as Pathogenic.

Literature cited by the submitters: PubMed 21782149; PubMed 25125236; PubMed 25413698; PubMed 25652421.

NM_013275.6(ANKRD11):c.3240del (p.Asp1081fs)

Gene: ANKRD11 (ankyrin repeat domain 11; minus strand). Cytogenetic location: 16q24.3.
Variant type: Deletion.
Coding change: c.3240del on transcript NM_013275.6 (MANE Select); coding-DNA position 3240, one base deleted (C; older notation c.3240delC).
Protein change: p.Asp1081fs; shifts the reading frame from aspartic acid 1081.
Molecular consequence: frameshift variant.
Genome position (GRCh38, 1-based): chr16:89,283,302, G deleted on the plus strand (C on the coding strand, the reverse complement: ANKRD11 is on the minus strand). VCF-style (leftmost placement, unchanged base first): chr16-89283301-CG-C. GRCh37 (hg19) VCF-style: chr16-89349709-CG-C.
Other names: c.3240del, p.Asp1081fs (NM_001256182.2, NM_001256183.2); short protein forms D1081fs.
Identifiers: ClinVar variation 2122855 (VCV002122855.4), dbSNP rs2544238192, ClinGen allele CA2580092288.